The following is an entry in ClinVar:

NM_005554.4(KRT6A):c.1340A>G (p.Glu447Gly)

Gene: KRT6A (keratin 6A; minus strand). Cytogenetic location: 12q13.13.
Variant type: single nucleotide variant.
Coding change: c.1340A>G on transcript NM_005554.4 (MANE Select); coding-DNA position 1340, A replaced by G.
Protein change: p.Glu447Gly; replaces glutamic acid 447 with glycine.
Molecular consequence: missense variant.
Genome position (GRCh38, 1-based): chr12:52,488,412, T>C on the plus strand (A>G on the coding strand, the complement: KRT6A is on the minus strand). VCF-style: chr12-52488412-T-C. GRCh37 (hg19) VCF-style: chr12-52882196-T-C.
Other names: short protein forms E447G.
Identifiers: ClinVar variation 2172762 (VCV002172762.4), dbSNP rs773056995, ClinGen allele CA6581879.

ClinVar aggregate classification (germline): Uncertain significance (1 of 4 stars; one submission).

Allele frequency attached by ClinVar (database versions not stated): TOPMed below 0.00001; gnomAD 0.00001; gnomAD exomes 0.00002; ExAC 0.00004.

Submission:

Labcorp Genetics (formerly Invitae), Labcorp
Classification: Uncertain significance. Last evaluated: 2025-08-20. Review status: criteria provided, single submitter. Criteria: Invitae Variant Classification Sherloc (09022015). Collection method: clinical testing. Allele origin: germline.
Comment: This sequence change replaces glutamic acid, which is acidic and polar, with glycine, which is neutral and non-polar, at codon 447 of the KRT6A protein (p.Glu447Gly). This variant is present in population databases (rs773056995, gnomAD 0.006%). This variant has not been reported in the literature in individuals affected with KRT6A-related conditions. ClinVar contains an entry for this variant (Variation ID: 2172762). Invitae Evidence Modeling of protein sequence and biophysical properties (such as structural, functional, and spatial information, amino acid conservation, physicochemical variation, residue mobility, and thermodynamic stability) has been performed for this missense variant. However, the output from this modeling did not meet the statistical confidence thresholds required to predict the impact of this variant on KRT6A protein function. In summary, the available evidence is currently insufficient to determine the role of this variant in disease. Therefore, it has been classified as a Variant of Uncertain Significance.